The following is an entry in ClinVar:

ClinVar aggregate classification (germline): Likely benign. Review status: criteria provided, single submitter (1 of 4 stars). 2 submissions from 2 submitters: Likely benign (1). 1 of the submissions does not count toward it. Last evaluated 2026-01-27.

Conditions:
LRRC56-related disorder. Also called: LRRC56-related condition.

Allele frequency attached by ClinVar (database versions not stated): TOPMed 0.00015; gnomAD 0.00025; gnomAD exomes 0.00029; ExAC 0.00070; 1000 Genomes Project 30x 0.00078; 1000 Genomes Project 0.00100; ESP Exome Variant Server 0.00015.
gnomAD v4.1: 479 of 1,611,098 alleles (0.03%); highest among the groups gnomAD compares: South Asian, 0.27%; 3 homozygotes.

Submissions (2):

Labcorp Genetics (formerly Invitae), Labcorp
Classification: Likely benign. Last evaluated: 2026-01-27. Review status: criteria provided, single submitter. Criteria: Invitae Variant Classification Sherloc (09022015). Collection method: clinical testing. Allele origin: germline.

PreventionGenetics, part of Exact Sciences
Classification: Likely benign for LRRC56-related condition. Last evaluated: 2023-11-10. Review status: no assertion criteria provided. Collection method: clinical testing. Allele origin: germline. Not counted in ClinVar's aggregate classification.
Comment: This variant is classified as likely benign based on ACMG/AMP sequence variant interpretation guidelines (Richards et al. 2015 PMID: 25741868, with internal and published modifications).

NM_198075.4(LRRC56):c.863G>A (p.Arg288Gln)

Gene: LRRC56 (leucine rich repeat containing 56; plus strand). Cytogenetic location: 11p15.5.
Variant type: single nucleotide variant.
Coding change: c.863G>A on transcript NM_198075.4 (MANE Select); coding-DNA position 863, G replaced by A.
Protein change: p.Arg288Gln; replaces arginine 288 with glutamine.
Molecular consequence: missense variant.
Genome position (GRCh38, 1-based): chr11:551,717, G>A. VCF-style: chr11-551717-G-A. GRCh37 (hg19) VCF-style: chr11-551717-G-A.
Other names: c.863G>A (NM_198075.3); short protein forms R288Q.
Identifiers: ClinVar variation 2057249 (VCV002057249.6), dbSNP rs141233105, ClinGen allele CA5779856.